The following is an entry in ClinVar:

ClinVar aggregate classification (germline): Uncertain significance (1 of 4 stars; one submission).

Conditions:
Ullrich congenital muscular dystrophy 2 (UCMD2). Identifiers: Orphanet 75840, MedGen C4225314, MONDO:0014654, OMIM 616470.
Bethlem myopathy 2 (BTHLM2). Identifiers: Orphanet 536516, Orphanet 610, MedGen C4225313, MONDO:0034022, OMIM 616471.

Allele frequency attached by ClinVar (database versions not stated): TOPMed below 0.00001; gnomAD 0.00001.
gnomAD v4.1: 1 of 1,609,604 alleles (0.000062%); highest among the groups gnomAD compares: Admixed American, 0.0017%; no homozygotes.

Submission:

Labcorp Genetics (formerly Invitae), Labcorp
Classification: Uncertain significance for Bethlem myopathy 2; Ullrich congenital muscular dystrophy 2. Last evaluated: 2024-08-29. Review status: criteria provided, single submitter. Criteria: Invitae Variant Classification Sherloc (09022015). Collection method: clinical testing. Allele origin: germline.
Comment: This sequence change falls in intron 54 of the COL12A1 gene. It does not directly change the encoded amino acid sequence of the COL12A1 protein. This variant is not present in population databases (gnomAD no frequency). This variant has not been reported in the literature in individuals affected with COL12A1-related conditions. Algorithms developed to predict the effect of sequence changes on RNA splicing suggest that this variant may disrupt the consensus splice site. In summary, the available evidence is currently insufficient to determine the role of this variant in disease. Therefore, it has been classified as a Variant of Uncertain Significance.

NM_004370.6(COL12A1):c.8266-8T>A

Gene: COL12A1 (collagen type XII alpha 1 chain; minus strand). Cytogenetic location: 6q13.
Variant type: single nucleotide variant.
Coding change: c.8266-8T>A on transcript NM_004370.6 (MANE Select); 8 bases into the intron before coding-DNA position 8266, T replaced by A.
Molecular consequence: intron variant.
Genome position (GRCh38, 1-based): chr6:75,103,818, A>T on the plus strand (T>A on the coding strand, the complement: COL12A1 is on the minus strand). VCF-style: chr6-75103818-A-T. GRCh37 (hg19) VCF-style: chr6-75813534-A-T.
Other names: c.4774-8T>A (NM_001424116.1, NM_080645.3); c.7993-8T>A (NM_001424115.1); c.8245-8T>A (NM_001424114.1); c.8266-8T>A (NM_001424113.1).
Identifiers: ClinVar variation 2931949 (VCV002931949.3), dbSNP rs1274360736, ClinGen allele CA828075348.
Genomic context (GRCh38, chr6:75,103,818, plus strand): 5'-ATTGCCCCACTGATACCTCTTTCACCTCTGGGACCTTTAGCACCAGGTCCTCCCTAAAAT[A>T]CATAGAGCACATAGTAGTGTGAACATAGGAAAATAGGAGGAAGTTGATATACAAAAAGTC-3'